The following is an entry in ClinVar:

NM_001182.5(ALDH7A1):c.177G>A (p.Trp59Ter)

Gene: ALDH7A1 (aldehyde dehydrogenase 7 family member A1; minus strand). Cytogenetic location: 5q23.2.
Variant type: single nucleotide variant.
Coding change: c.177G>A on transcript NM_001182.5 (MANE Select); coding-DNA position 177, G replaced by A.
Protein change: p.Trp59Ter; replaces tryptophan 59 with a stop codon.
Molecular consequence: nonsense.
Genome position (GRCh38, 1-based): chr5:126,595,022, C>T on the plus strand (G>A on the coding strand, the complement: ALDH7A1 is on the minus strand). VCF-style: chr5-126595022-C-T. GRCh37 (hg19) VCF-style: chr5-125930714-C-T.
Other names: c.93G>A, p.Trp31Ter (NM_001201377.2); c.177G>A, p.Trp59Ter (NM_001202404.2); short protein forms W59*, W31*.
Identifiers: ClinVar variation 420019 (VCV000420019.6), dbSNP rs1064794242, ClinGen allele CA16618103.
Genomic context (GRCh38, chr5:126,595,022, plus strand): 5'-GAGCGAGCCCCGGCGGCTGCAGAGATTTCTTGAGCGCCCGCGTACCTCTCCCCGGCCTCC[C>T]CAGCTTCCATTATACACGCCCTCGTTTTCCTCGCGGAGCCCCAGCTCTTTCAGCCACGCA-3'

ClinVar aggregate classification (germline): Pathogenic. Review status: criteria provided, multiple submitters, no conflicts (2 of 4 stars). 2 submissions from 2 submitters: Pathogenic (2). Last evaluated 2023-03-19.

Conditions:
Pyridoxine-dependent epilepsy (EPEO4). Also called: EPILEPSY, EARLY-ONSET, 4, VITAMIN B6-DEPENDENT; Pyridoxine-Dependent Epilepsy - ALDH7A1; PYRIDOXINE DEPENDENCY WITH SEIZURES; Pyridoxine-Dependent Seizures. Identifiers: Orphanet 3006, MedGen C1849508, MONDO:0009945, OMIM 266100. Disease mechanism: loss of function.

gnomAD v4.1: 1 of 1,605,868 alleles (0.000062%); highest among the groups gnomAD compares: African/African-American, 0.0013%; no homozygotes.

Submissions (2):

Labcorp Genetics (formerly Invitae), Labcorp
Classification: Pathogenic for Pyridoxine-dependent epilepsy. Last evaluated: 2023-03-19. Review status: criteria provided, single submitter. Criteria: Invitae Variant Classification Sherloc (09022015). Collection method: clinical testing. Allele origin: germline.
Comment: For these reasons, this variant has been classified as Pathogenic. ClinVar contains an entry for this variant (Variation ID: 420019). This variant is also known as c.93G>A, W31X. This premature translational stop signal has been observed in individual(s) with pyridoxine-dependent epilepsy (PMID: 17433748). This variant is not present in population databases (gnomAD no frequency). This sequence change creates a premature translational stop signal (p.Trp59*) in the ALDH7A1 gene. It is expected to result in an absent or disrupted protein product. Loss-of-function variants in ALDH7A1 are known to be pathogenic (PMID: 16491085, 20554659).

GeneDx
Classification: Pathogenic. Last evaluated: 2017-04-05. Review status: criteria provided, single submitter. Criteria: GeneDx Variant Classification (06012015). Collection method: clinical testing. Allele origin: germline. Affected: yes.
Comment: The W59X nonsense variant in the ALDH7A1 gene has been reported previously in an individual with pyridoxine-dependent epilepsy who had a second ALDH7A1 variant identified (Kanno et al., 2007). Due to use of alternative nomenclature, this variant has been reported as W31X (Kanno et al., 2007). This variant is predicted to cause loss of normal protein function either through protein truncation or nonsense-mediated mRNA decay. The W59X variant is not observed in large population cohorts (Lek et al., 2016; 1000 Genomes Consortium et al., 2015; Exome Variant Server). Therefore, the W59X variant is considered to be pathogenic.

Literature cited by the submitters: PubMed 17433748 (cited by Labcorp Genetics (formerly Invitae), Labcorp); PubMed 16491085 (cited by Labcorp Genetics (formerly Invitae), Labcorp); PubMed 20554659 (cited by Labcorp Genetics (formerly Invitae), Labcorp).